The following is an entry in ClinVar:

ClinVar aggregate classification (germline): Uncertain significance. Review status: criteria provided, multiple submitters, no conflicts (2 of 4 stars). 2 submissions from 2 submitters: Uncertain significance (2). Last evaluated 2025-11-25.

Conditions:
Chuvash polycythemia. Also called: POLYCYTHEMIA, VHL-DEPENDENT. Identifiers: Orphanet 238557, MedGen C1837915, MONDO:0009892, OMIM 263400.
Von Hippel-Lindau syndrome (VHLS). Also called: VHL syndrome; Von Hippel-Lindau; von Hippel–Lindau syndrome. Identifiers: Orphanet 892, MedGen C0019562, MONDO:0008667, OMIM 193300. Disease mechanism: loss of function.

Submissions (2):

Labcorp Genetics (formerly Invitae), Labcorp
Classification: Uncertain significance for Von Hippel-Lindau syndrome; Chuvash polycythemia. Last evaluated: 2025-11-25. Review status: criteria provided, single submitter. Criteria: Invitae Variant Classification Sherloc (09022015). Collection method: clinical testing. Allele origin: germline.
Comment: This sequence change replaces proline, which is neutral and non-polar, with phenylalanine, which is neutral and non-polar, at codon 2 of the VHL protein (p.Pro2Phe). Information on the frequency of this variant in the gnomAD database is not available, as this variant may be reported differently in the database. This variant has not been reported in the literature in individuals affected with VHL-related conditions. ClinVar contains an entry for this variant (Variation ID: 3365139). An algorithm developed to predict the effect of missense changes on protein structure and function (PolyPhen-2) suggests that this variant is likely to be tolerated. In summary, the available evidence is currently insufficient to determine the role of this variant in disease. Therefore, it has been classified as a Variant of Uncertain Significance.

GeneDx
Classification: Uncertain significance. Last evaluated: 2023-12-05. Review status: criteria provided, single submitter. Criteria: GeneDx Variant Classification Process June 2021. Collection method: clinical testing. Allele origin: germline. Affected: yes.
Comment: Not observed at significant frequency in large population cohorts (gnomAD); In silico analysis supports that this variant does not alter protein structure/function; Has not been previously published as pathogenic or benign to our knowledge

NM_000551.4(VHL):c.4_5delinsTT (p.Pro2Phe)

Gene: VHL (von Hippel-Lindau tumor suppressor; plus strand). Cytogenetic location: 3p25.3.
Variant type: Indel.
Coding change: c.4_5delinsTT on transcript NM_000551.4 (MANE Select); coding-DNA positions 4 to 5, CC replaced by TT.
Protein change: p.Pro2Phe; replaces proline 2 with phenylalanine.
Molecular consequence: missense variant. On other transcripts: non-coding transcript variant (1).
Genome position (GRCh38, 1-based): chr3:10,141,851-10,141,852, CC replaced by TT. VCF-style: chr3-10141851-CC-TT. GRCh37 (hg19) VCF-style: chr3-10183535-CC-TT.
Other names: c.4_5delCCinsTT, p.Pro2Phe (NM_000551.3); c.4_5delinsTT, p.Pro2Phe (NM_001354723.2, NM_198156.3); short protein forms P2F.
Identifiers: ClinVar variation 3365139 (VCV003365139.2).